The following is an entry in ClinVar:

NM_002206.3(ITGA7):c.3373G>C (p.Glu1125Gln)

Gene: ITGA7 (integrin subunit alpha 7; minus strand). Cytogenetic location: 12q13.2.
Variant type: single nucleotide variant.
Coding change: c.3373G>C on transcript NM_002206.3 (MANE Select); coding-DNA position 3373, G replaced by C.
Protein change: p.Glu1125Gln; replaces glutamic acid 1125 with glutamine.
Molecular consequence: missense variant.
Genome position (GRCh38, 1-based): chr12:55,685,099, C>G on the plus strand (G>C on the coding strand, the complement: ITGA7 is on the minus strand). VCF-style: chr12-55685099-C-G. GRCh37 (hg19) VCF-style: chr12-56078883-C-G.
Other names: c.3385G>C, p.Glu1129Gln (NM_001144996.2); c.3094G>C, p.Glu1032Gln (NM_001144997.2); c.3046G>C, p.Glu1016Gln (NM_001367993.1); c.2029G>C, p.Glu677Gln (NM_001367994.1); c.3355G>C, p.Glu1119Gln (NM_001374465.1); c.3505G>C, p.Glu1169Gln (NM_001410977.1); c.3367G>C, p.Glu1123Gln (NM_001414029.1); c.3298G>C, p.Glu1100Gln (NM_001414030.1); and 5 more; short protein forms E1032Q, E1125Q, E677Q, E1016Q, E1129Q, E1119Q, E1169Q, E1085Q.
Identifiers: ClinVar variation 578833 (VCV000578833.6), dbSNP rs371203166, ClinGen allele CA385180032.

ClinVar aggregate classification (germline): Uncertain significance. Review status: criteria provided, multiple submitters, no conflicts (2 of 4 stars). 2 submissions from 2 submitters: Uncertain significance (2). Last evaluated 2022-10-18.

Conditions:
Congenital muscular dystrophy due to integrin alpha-7 deficiency. Also called: MYOPATHY, CONGENITAL, DUE TO INTEGRIN ALPHA-7 DEFICIENCY; Congenital muscular dystrophy with integrin alpha-7 deficiency; Muscular dystrophy, congenital, due to ITGA7 deficiency. Identifiers: Orphanet 34520, MedGen C2750786, MONDO:0013177, OMIM 613204.

Allele frequency attached by ClinVar (database versions not stated): TOPMed 0.00002.
gnomAD v4.1: 20 of 1,606,424 alleles (0.0012%); highest among the groups gnomAD compares: Non-Finnish European, 0.0015%; no homozygotes.

Submissions (2):

Labcorp Genetics (formerly Invitae), Labcorp
Classification: Uncertain significance for Congenital muscular dystrophy due to integrin alpha-7 deficiency. Last evaluated: 2022-10-18. Review status: criteria provided, single submitter. Criteria: Invitae Variant Classification Sherloc (09022015). Collection method: clinical testing. Allele origin: germline.
Comment: This sequence change replaces glutamic acid, which is acidic and polar, with glutamine, which is neutral and polar, at codon 1125 of the ITGA7 protein (p.Glu1125Gln). This variant is present in population databases (no rsID available, gnomAD 0.002%). This variant has not been reported in the literature in individuals affected with ITGA7-related conditions. ClinVar contains an entry for this variant (Variation ID: 578833). Algorithms developed to predict the effect of missense changes on protein structure and function (SIFT, PolyPhen-2, Align-GVGD) all suggest that this variant is likely to be tolerated. In summary, the available evidence is currently insufficient to determine the role of this variant in disease. Therefore, it has been classified as a Variant of Uncertain Significance.

Ambry Genetics
Classification: Uncertain significance. Last evaluated: 2022-01-10. Review status: criteria provided, single submitter. Criteria: Ambry Variant Classification Scheme 2023. Collection method: clinical testing. Allele origin: germline.